The following is an entry in ClinVar:

ClinVar aggregate classification (germline): Conflicting classifications of pathogenicity. Review status: criteria provided, conflicting classifications (1 of 4 stars). 8 submissions from 7 submitters: Uncertain significance (1); Benign (1); Likely benign (5). 1 of the submissions does not count toward it. Last evaluated 2026-01-16.

Conditions:
Hereditary cancer-predisposing syndrome. Also called: Tumor predisposition; Neoplastic Syndromes, Hereditary; Hereditary neoplastic syndrome; Hereditary Cancer Syndrome. Identifiers: Orphanet 140162, MedGen C0027672, MeSH D009386, MONDO:0015356.
Cardiovascular phenotype. Identifiers: MedGen CN230736.
NF1-related disorder. Also called: NF1-related condition. Identifiers: MedGen CN379171.
Neurofibromatosis, type 1 (NF1). Also called: NEUROFIBROMATOSIS, TYPE I, SOMATIC; Peripheral type neurofibromatosis; VON RECKLINGHAUSEN DISEASE; Neurofibromatosis, type I. Identifiers: Orphanet 636, MedGen C0027831, MONDO:0018975, OMIM 162200. Disease mechanism: loss of function.

Allele frequency attached by ClinVar (database versions not stated): gnomAD below 0.00001 and 0.00003; TOPMed 0.00001; gnomAD exomes 0.00010 and 0.00016; ExAC 0.00023; 1000 Genomes Project 30x 0.00031; 1000 Genomes Project 0.00040.
gnomAD v4.1: 142 of 1,611,820 alleles (0.0088%); highest among the groups gnomAD compares: South Asian, 0.13%; 1 homozygote.

Submissions (8):

Labcorp Genetics (formerly Invitae), Labcorp
Classification: Benign for Neurofibromatosis, type 1. Last evaluated: 2026-01-16. Review status: criteria provided, single submitter. Criteria: Invitae Variant Classification Sherloc (09022015). Collection method: clinical testing. Allele origin: germline.

Women's Health and Genetics/Laboratory Corporation of America, LabCorp
Classification: Likely benign. Last evaluated: 2025-04-02. Review status: criteria provided, single submitter. Criteria: LabCorp Variant Classification Summary - May 2015. Collection method: clinical testing. Allele origin: germline.
Comment: Variant summary: NF1 c.2921A>G (p.Asn974Ser) results in a conservative amino acid change in the encoded protein sequence. Four of five in-silico tools predict a benign effect of the variant on protein function. The variant allele was found at a frequency of 0.00016 in 250756 control chromosomes, predominantly at a frequency of 0.0013 within the South Asian subpopulation in the gnomAD database, including 1 homozygotes. The observed variant frequency within South Asian control individuals in the gnomAD database is approximately 6 fold of the estimated maximal expected allele frequency for a pathogenic variant in NF1 causing Neurofibromatosis Type 1 phenotype (0.00021). To our knowledge, no occurrence of c.2921A>G in individuals affected with Neurofibromatosis Type 1 and no experimental evidence demonstrating its impact on protein function have been reported. ClinVar contains an entry for this variant (Variation ID: 185759). Based on the evidence outlined above, the variant was classified as likely benign.

Blueprint Genetics
Classification: Likely benign. Last evaluated: 2024-04-20. Review status: criteria provided, single submitter. Criteria: ACMG Guidelines, 2015. Collection method: clinical testing. Allele origin: germline.

Sema4
Classification: Likely benign for Hereditary cancer-predisposing syndrome. Last evaluated: 2021-09-18. Review status: criteria provided, single submitter. Criteria: Sema4 Curation Guidelines. Collection method: curation. Allele origin: germline.

GeneDx
Classification: Likely benign. Last evaluated: 2020-09-03. Review status: criteria provided, single submitter. Criteria: GeneDx Variant Classification Process June 2021. Collection method: clinical testing. Allele origin: germline. Affected: yes.
Comment: This variant is associated with the following publications: (PMID: 27322474, 24916674, 27986441, 28099935, 30287823)

Ambry Genetics
Classification: Likely benign for Cardiovascular phenotype; Hereditary cancer-predisposing syndrome. Last evaluated: 2017-06-08. Review status: criteria provided, single submitter. Criteria: Ambry Variant Classification Scheme 2023. Collection method: clinical testing. Allele origin: germline.

Ambry Genetics
Classification: Uncertain significance for Hereditary cancer-predisposing syndrome. Last evaluated: 2015-06-09. Review status: criteria provided, single submitter. Criteria: Ambry Autosomal Dominant and X-Linked criteria (10/2015). Collection method: clinical testing. Allele origin: germline. Observed: 1 variant allele.
Comment: Ã¢â‚¬â€¹<span style="background-color:initial">Thep.N974S<span style="background-color:initial"> variant (also known as c.2921A>G), located in coding exon 22 of theNF1<span style="background-color:initial"> gene, results from an A to G substitution at nucleotide position 2921. The asparagine at codon 974 is replaced by serine, an amino acid with highly similar properties. This variant was not reported in population based cohorts in the following databases: Database of Single Nucleotide Polymorphisms (dbSNP), NHLBI Exome Sequencing Project (ESP), and 1000 Genomes Project. To date, this alteration has been detected with an allele frequency of approximately 0.004% (greater than 55000 alleles tested) in our clinical cohort. This amino acid position is well conserved in available vertebrate species. In addition, this alteration is predicted to be benign and tolerated by PolyPhen and SIFTin silico<span style="background-color:initial"> analyses, respectively. Since supporting evidence is limited at this time, the clinical significance of p.N974S remains unclear.

PreventionGenetics, part of Exact Sciences
Classification: Likely benign for NF1-related condition. Last evaluated: 2020-03-09. Review status: no assertion criteria provided. Collection method: clinical testing. Allele origin: germline. Not counted in ClinVar's aggregate classification.
Comment: This variant is classified as likely benign based on ACMG/AMP sequence variant interpretation guidelines (Richards et al. 2015 PMID: 25741868, with internal and published modifications).

Literature cited by the submitters: PubMed 10678181 (cited by Women's Health and Genetics/Laboratory Corporation of America, LabCorp); PubMed 23460398 (cited by Women's Health and Genetics/Laboratory Corporation of America, LabCorp).

NM_001042492.3(NF1):c.2921A>G (p.Asn974Ser)

Gene: NF1 (neurofibromin 1; plus strand). Cytogenetic location: 17q11.2.
Variant type: single nucleotide variant.
Coding change: c.2921A>G on transcript NM_001042492.3 (MANE Select); coding-DNA position 2921, A replaced by G.
Protein change: p.Asn974Ser; replaces asparagine 974 with serine.
Molecular consequence: missense variant.
Genome position (GRCh38, 1-based): chr17:31,229,905, A>G. VCF-style: chr17-31229905-A-G. GRCh37 (hg19) VCF-style: chr17-29556923-A-G.
Other names: c.2921A>G, p.Asn974Ser (NM_000267.4); short protein forms N974S.
Identifiers: ClinVar variation 185759 (VCV000185759.22), dbSNP rs557875547, ClinGen allele CA192846.